The following is an entry in ClinVar:

ClinVar aggregate classification (germline): Uncertain significance (1 of 4 stars; one submission).

Submission:

Labcorp Genetics (formerly Invitae), Labcorp
Classification: Uncertain significance. Last evaluated: 2025-08-21. Review status: criteria provided, single submitter. Criteria: Invitae Variant Classification Sherloc (09022015). Collection method: clinical testing. Allele origin: germline.
Comment: This sequence change replaces lysine, which is basic and polar, with asparagine, which is neutral and polar, at codon 546 of the CDC6 protein (p.Lys546Asn). This variant is not present in population databases (gnomAD no frequency). This variant has not been reported in the literature in individuals affected with CDC6-related conditions. An algorithm developed to predict the effect of missense changes on protein structure and function (PolyPhen-2) suggests that this variant is likely to be tolerated. In summary, the available evidence is currently insufficient to determine the role of this variant in disease. Therefore, it has been classified as a Variant of Uncertain Significance.

NM_001254.4(CDC6):c.1638A>C (p.Lys546Asn)

Gene: CDC6 (cell division cycle 6; plus strand). Cytogenetic location: 17q21.2.
Variant type: single nucleotide variant.
Coding change: c.1638A>C on transcript NM_001254.4 (MANE Select); coding-DNA position 1638, A replaced by C.
Protein change: p.Lys546Asn; replaces lysine 546 with asparagine.
Molecular consequence: missense variant.
Genome position (GRCh38, 1-based): chr17:40,301,956, A>C. VCF-style: chr17-40301956-A-C. GRCh37 (hg19) VCF-style: chr17-38458208-A-C.
Other names: short protein forms K546N.
Identifiers: ClinVar variation 4724184 (VCV004724184.1).
Genomic context (GRCh38, chr17:40,301,956, plus strand): 5'-TTTCTCTTCTTTCCAGGTGTTTTTCAAGATTGAAGAGAAAGAAATAGAACATGCTCTGAA[A>C]GATAAAGCTTTAATTGGAAATATCTTAGCTACTGGATTGCCTTAAATTCTTCTCTTACAC-3'
Protein context (NP_001245.1, residues 536-556): IEEKEIEHAL[Lys546Asn]DKALIGNILA